The following is an entry in ClinVar:

NM_000089.4(COL1A2):c.2402_2403insA (p.Gly802fs)

Gene: COL1A2 (collagen type I alpha 2 chain; plus strand). Cytogenetic location: 7q21.3.
Variant type: Insertion.
Coding change: c.2402_2403insA on transcript NM_000089.4 (MANE Select); coding-DNA positions 2402 to 2403, A inserted.
Protein change: p.Gly802fs; shifts the reading frame from glycine 802.
Molecular consequence: frameshift variant.
Genome position: GRCh38 VCF-style: chr7-94421951-C-CA. GRCh37 (hg19) VCF-style: chr7-94051263-C-CA.
Other names: short protein forms G802fs.
Identifiers: ClinVar variation 2581021 (VCV002581021.1), dbSNP rs2484727900, ClinGen allele CA2580618184.

ClinVar aggregate classification (germline): Likely pathogenic (1 of 4 stars; one submission).

Conditions:
Ehlers-Danlos syndrome, cardiac valvular type. Identifiers: Orphanet 230851, MedGen C4303789, MONDO:0009159, OMIM 225320.

Submission:

Dr. med. U. Finckh, Human Genetics, Eurofins MVZ
Classification: Likely pathogenic for Ehlers-Danlos syndrome, cardiac valvular type. Last evaluated: 2019-12-17. Review status: criteria provided, single submitter. Criteria: ACMG Guidelines, 2015. Collection method: clinical testing. Allele origin: unknown. Affected: no.
Comment: The insertion leads to a frameshift with premature stop signal and might be prone to nonsense mediated decay which has been a proposed pathomechanism primarily for recessive COL1A2-related disease. While the variant does not seem to be associated with autosomal dominant COL1A2-related disease, an association with autosomal recessive COL1A2-related disease seems likely.